The following is an entry in ClinVar:

ClinVar aggregate classification (germline): Uncertain significance. Review status: criteria provided, multiple submitters, no conflicts (2 of 4 stars). 3 submissions from 3 submitters: Uncertain significance (3). Last evaluated 2024-12-18.

Conditions:
Polycystic kidney disease, adult type (PKD1). Also called: POLYCYSTIC KIDNEY DISEASE 1 WITH OR WITHOUT POLYCYSTIC LIVER DISEASE; Polycystic Kidney Disease 1, Autosomal Dominant; Polycystic kidney disease 1; Polycystic kidney disease 1, severe; POLYCYSTIC KIDNEY DISEASE, ADULT, TYPE I; Polycystic Kidney, Autosomal Dominant. Identifiers: MedGen C3149841, MONDO:0008263, OMIM 173900.

Submissions (3):

GeneDx
Classification: Uncertain significance. Last evaluated: 2024-12-18. Review status: criteria provided, single submitter. Criteria: GeneDx Variant Classification Process June 2021. Collection method: clinical testing. Allele origin: germline. Affected: yes.
Comment: Not observed at significant frequency in large population cohorts (gnomAD); In silico analysis supports that this missense variant does not alter protein structure/function; In silico analysis suggests this variant may impact gene splicing. In the absence of RNA/functional studies, the actual effect of this sequence change is unknown.; Has not been previously published as pathogenic or benign to our knowledge

Fulgent Genetics
Classification: Uncertain significance for Polycystic kidney disease, adult type. Last evaluated: 2024-03-08. Review status: criteria provided, single submitter. Criteria: ACMG Guidelines, 2015. Collection method: clinical testing. Allele origin: germline.

Athena Diagnostics
Classification: Uncertain significance. Last evaluated: 2021-01-22. Review status: criteria provided, single submitter. Criteria: Athena Diagnostics criteria. Collection method: clinical testing. Allele origin: unknown.

NM_001009944.3(PKD1):c.910C>G (p.Arg304Gly)

Gene: PKD1 (polycystin 1, transient receptor potential channel interacting; minus strand). Cytogenetic location: 16p13.3.
Variant type: single nucleotide variant.
Coding change: c.910C>G on transcript NM_001009944.3 (MANE Select); coding-DNA position 910, C replaced by G.
Protein change: p.Arg304Gly; replaces arginine 304 with glycine.
Molecular consequence: missense variant.
Genome position (GRCh38, 1-based): chr16:2,118,082, G>C on the plus strand (C>G on the coding strand, the complement: PKD1 is on the minus strand). VCF-style: chr16-2118082-G-C. GRCh37 (hg19) VCF-style: chr16-2168083-G-C.
Other names: c.910C>G, p.Arg304Gly (NM_000296.4); c.910C>G (NM_001009944.2); short protein forms R304G.
Identifiers: ClinVar variation 1256453 (VCV001256453.3), dbSNP rs543328728, ClinGen allele CA394393826.